The following is an entry in ClinVar:

ClinVar aggregate classification (germline): Pathogenic/Likely pathogenic. Review status: criteria provided, multiple submitters, no conflicts (2 of 4 stars). 4 submissions from 4 submitters: Pathogenic (3); Likely pathogenic (1). Last evaluated 2025-01-02.

Conditions:
Cardiomyopathy (CMYO). Also called: Cardiomyopathies. Identifiers: Orphanet 167848, MedGen C0878544, MONDO:0004994, HP:0001638. Inheritance: Various modes of inheritance.
Hypertrophic cardiomyopathy 4. Also called: Familial hypertrophic cardiomyopathy 4. Identifiers: MedGen C1861862, MONDO:0007268, OMIM 115197.
Cardiovascular phenotype. Identifiers: MedGen CN230736.

Submissions (4):

Ambry Genetics
Classification: Pathogenic for Cardiovascular phenotype. Last evaluated: 2025-01-02. Review status: criteria provided, single submitter. Criteria: Ambry Variant Classification Scheme 2023. Collection method: clinical testing. Allele origin: germline.
Comment: The c.1358dupC pathogenic mutation, located in coding exon 16 of the MYBPC3 gene, results from a duplication of C at nucleotide position 1358, causing a translational frameshift with a predicted alternate stop codon (p.V454Cfs*21). This variant was reported in individual(s) with features consistent with hypertrophic cardiomyopathy (HCM) (Singh SR et al. Circ Heart Fail, 2017 Oct;10:[ePub ahead of print]; J&auml;&auml;skel&auml;inen P et al. ESC Heart Fail, 2019 Apr;6:436-445; Ambry internal data). This variant is considered to be rare based on population cohorts in the Genome Aggregation Database (gnomAD). In addition to the clinical data presented in the literature, this alteration is expected to result in loss of function by premature protein truncation or nonsense-mediated mRNA decay. As such, this alteration is interpreted as a disease-causing mutation.

Clinical Genetics Laboratory, Region Ostergotland
Classification: Pathogenic for Hypertrophic cardiomyopathy 4. Last evaluated: 2020-10-27. Review status: criteria provided, single submitter. Criteria: ACMG Guidelines, 2015. Collection method: clinical testing. Allele origin: germline. Affected: yes.
Comment: PVS1, PS4, PM2, PP5

GeneDx
Classification: Pathogenic for Cardiomyopathy. Last evaluated: 2011-12-07. Review status: criteria provided, single submitter. Criteria: GeneDx Variant Classification (06012015). Collection method: clinical testing. Allele origin: germline. Affected: yes.
Comment: An insertion of a single “C” nucleotide in exon 16 of the MYBPC3 gene. The normal sequence with the base that is inserted in braces is: GCCCCC{C}TGTGC. This mutation is denoted c.1358dupC at the cDNA level or p.Val454CysfsX21 at the protein level. Although the c.1358dupC mutation in the MYBPC3 gene has not been reported previously, this mutation causes a shift in reading frame starting at codon Valine 454, changing it to a Cysteine, and creates a premature stop codon at position 21 of the new reading frame. The c.1358dupC mutation is expected to result in an abnormal, truncated protein or in absence of protein from this allele due to mRNA decay. Multiple frameshift mutations in the MYBPC3 gene have been reported in association with HCM The variant is found in HCM panel(s).

Laboratory of Genetics and Molecular Cardiology, University of São Paulo
Classification: Likely pathogenic for Hypertrophic cardiomyopathy 4. Review status: criteria provided, single submitter. Criteria: LGCM Criteria August 2015. Collection method: clinical testing. Allele origin: germline. Inheritance: Autosomal dominant inheritance. Affected: yes. Observed: 1 variant allele. Study: Sarcomeric Human Cardiomyopathy Registry (ShaRe).

Literature cited by the submitters: PubMed 29021349 (cited by Ambry Genetics); PubMed 30775854 (cited by Ambry Genetics).

NM_000256.3(MYBPC3):c.1358dup (p.Val454fs)

Gene: MYBPC3 (myosin binding protein C3; minus strand). Cytogenetic location: 11p11.2.
Variant type: Duplication.
Coding change: c.1358dup on transcript NM_000256.3 (MANE Select); coding-DNA position 1358, one base duplicated (C; older notation c.1358dupC).
Protein change: p.Val454fs; shifts the reading frame from valine 454.
Molecular consequence: frameshift variant.
Genome position (GRCh38, 1-based): chr11:47,342,929, G duplicated on the plus strand (C on the coding strand, the reverse complement: MYBPC3 is on the minus strand); the first of 5 consecutive G bases (chr11:47,342,929-47,342,933); duplicating any one gives the same sequence. VCF-style (leftmost placement, unchanged base first): chr11-47342928-A-AG. GRCh37 (hg19) VCF-style: chr11-47364479-A-AG.
Other names: c.1358dup, p.Val454fs (LRG_386t1); c.1358dupC (NM_000256.3); short protein forms V454fs.
Identifiers: ClinVar variation 181147 (VCV000181147.4), dbSNP rs727503203, ClinGen allele CA279328.
Genomic context (GRCh38, chr11:47,342,928, plus strand): 5'-AAACTCCACCCGCTGCCCCACCATCACCAGCTGGTCCTCCAAGGGGCGCGTGATGAGCAC[A>AG]GGGGGCTCTGTCCAGGCAGGGTGAGCATGAGGGTTGGCTCCCCTGAGGCCATCTCCTCCC-3'